The following is an entry in ClinVar:

NM_003482.4(KMT2D):c.9443A>G (p.Asn3148Ser)

Gene: KMT2D (lysine methyltransferase 2D; minus strand). Cytogenetic location: 12q13.12.
Variant type: single nucleotide variant.
Coding change: c.9443A>G on transcript NM_003482.4 (MANE Select); coding-DNA position 9443, A replaced by G.
Protein change: p.Asn3148Ser; replaces asparagine 3148 with serine.
Molecular consequence: missense variant.
Genome position (GRCh38, 1-based): chr12:49,037,913, T>C on the plus strand (A>G on the coding strand, the complement: KMT2D is on the minus strand). VCF-style: chr12-49037913-T-C. GRCh37 (hg19) VCF-style: chr12-49431696-T-C.
Other names: short protein forms N3148S.
Identifiers: ClinVar variation 2549806 (VCV002549806.5), dbSNP rs764977518, ClinGen allele CA6546691.
Genomic context (GRCh38, chr12:49,037,913, plus strand): 5'-ATCCGGGTATCCCGGCTGCCCATCATGCTCTGTCCTGGCTTTAGCCCCAGGCCAAGGGAA[T>C]TGGCAGCAGGTGCGGGCTCTACCTTGGGGGTAGCAATGGTGAATTGGCAAGGAGAAGGGT-3'
Protein context (NP_003473.3, residues 3138-3158): TPKVEPAPAA[Asn3148Ser]SLGLGLKPGQ

ClinVar aggregate classification (germline): Uncertain significance. Review status: criteria provided, multiple submitters, no conflicts (2 of 4 stars). 2 submissions from 2 submitters: Uncertain significance (2). Last evaluated 2025-04-14.

Conditions:
Kabuki syndrome. Also called: NIIKAWA-KUROKI SYNDROME; Kabuki make-up syndrome. Identifiers: Orphanet 2322, MedGen C0796004, MONDO:0016512.
Inborn genetic diseases. Identifiers: MedGen C0950123, MeSH D030342.

Allele frequency attached by ClinVar (database versions not stated): gnomAD exomes below 0.00001.
gnomAD v4.1: 3 of 1,604,770 alleles (0.00019%); highest among the groups gnomAD compares: Middle Eastern, 0.017%; no homozygotes.

Submissions (2):

Labcorp Genetics (formerly Invitae), Labcorp
Classification: Uncertain significance for Kabuki syndrome. Last evaluated: 2025-04-14. Review status: criteria provided, single submitter. Criteria: Invitae Variant Classification Sherloc (09022015). Collection method: clinical testing. Allele origin: germline.
Comment: This sequence change replaces asparagine, which is neutral and polar, with serine, which is neutral and polar, at codon 3148 of the KMT2D protein (p.Asn3148Ser). This variant is not present in population databases (gnomAD no frequency). This variant has not been reported in the literature in individuals affected with KMT2D-related conditions. ClinVar contains an entry for this variant (Variation ID: 2549806). Invitae Evidence Modeling of protein sequence and biophysical properties (such as structural, functional, and spatial information, amino acid conservation, physicochemical variation, residue mobility, and thermodynamic stability) indicates that this missense variant is not expected to disrupt KMT2D protein function with a negative predictive value of 95%. In summary, the available evidence is currently insufficient to determine the role of this variant in disease. Therefore, it has been classified as a Variant of Uncertain Significance.

Ambry Genetics
Classification: Uncertain significance for Inborn genetic diseases. Last evaluated: 2023-05-23. Review status: criteria provided, single submitter. Criteria: Ambry Variant Classification Scheme 2023. Collection method: clinical testing. Allele origin: germline.